The following is an entry in ClinVar:

NM_004714.3(DYRK1B):c.1810C>G (p.Pro604Ala)

Gene: DYRK1B (dual specificity tyrosine phosphorylation regulated kinase 1B; minus strand). Cytogenetic location: 19q13.2.
Variant type: single nucleotide variant.
Coding change: c.1810C>G on transcript NM_004714.3 (MANE Select); coding-DNA position 1810, C replaced by G.
Protein change: p.Pro604Ala; replaces proline 604 with alanine.
Molecular consequence: missense variant.
Genome position (GRCh38, 1-based): chr19:39,825,795, G>C on the plus strand (C>G on the coding strand, the complement: DYRK1B is on the minus strand). VCF-style: chr19-39825795-G-C. GRCh37 (hg19) VCF-style: chr19-40316435-G-C.
Other names: c.1690C>G, p.Pro564Ala (NM_006483.3); c.1726C>G, p.Pro576Ala (NM_006484.3); short protein forms P564A, P576A, P604A.
Identifiers: ClinVar variation 3356390 (VCV003356390.1).

ClinVar aggregate classification (germline): Uncertain significance (0 of 4 stars; one submission).

Conditions:
DYRK1B-related disorder. Also called: DYRK1B-related condition.

Submission:

PreventionGenetics, part of Exact Sciences
Classification: Uncertain significance for DYRK1B-related condition. Last evaluated: 2024-08-22. Review status: no assertion criteria provided. Collection method: clinical testing. Allele origin: germline.
Comment: The DYRK1B c.1810C>G variant is predicted to result in the amino acid substitution p.Pro604Ala. To our knowledge, this variant has not been reported in the literature. This variant is reported in 0.020% of alleles in individuals of African descent in gnomAD. Although we suspect that this variant may be benign, at this time, the clinical significance of this variant is uncertain due to the absence of conclusive functional and genetic evidence.